The following is an entry in ClinVar:

NM_004656.4(BAP1):c.340C>A (p.Arg114Ser)

Gene: BAP1 (BRCA1 associated deubiquitinase 1; minus strand). Cytogenetic location: 3p21.1.
Variant type: single nucleotide variant.
Coding change: c.340C>A on transcript NM_004656.4 (MANE Select); coding-DNA position 340, C replaced by A.
Protein change: p.Arg114Ser; replaces arginine 114 with serine.
Molecular consequence: missense variant.
Genome position (GRCh38, 1-based): chr3:52,407,993, G>T on the plus strand (C>A on the coding strand, the complement: BAP1 is on the minus strand). VCF-style: chr3-52407993-G-T. GRCh37 (hg19) VCF-style: chr3-52442009-G-T.
Other names: c.340C>A, p.Arg114Ser (NM_001410772.1); short protein forms R114S.
Identifiers: ClinVar variation 2861848 (VCV002861848.3), dbSNP rs761048859, ClinGen allele CA353111986.

ClinVar aggregate classification (germline): Uncertain significance (1 of 4 stars; one submission).

Conditions:
BAP1-related tumor predisposition syndrome (TPDS1). Also called: COMMON Syndrome; TUMOR PREDISPOSITION SYNDROME 1; Tumor susceptibility linked to germline BAP1 mutations; BAP1 tumor predisposition syndrome. Identifiers: Orphanet 289539, MedGen C3280492, MONDO:0013692, OMIM 614327.

gnomAD v4.1: 1 of 1,613,906 alleles (0.000062%); highest among the groups gnomAD compares: South Asian, 0.0011%; no homozygotes.

Submission:

Labcorp Genetics (formerly Invitae), Labcorp
Classification: Uncertain significance for BAP1-related tumor predisposition syndrome. Last evaluated: 2023-05-03. Review status: criteria provided, single submitter. Criteria: Invitae Variant Classification Sherloc (09022015). Collection method: clinical testing. Allele origin: germline.
Comment: In summary, the available evidence is currently insufficient to determine the role of this variant in disease. Therefore, it has been classified as a Variant of Uncertain Significance. Advanced modeling of protein sequence and biophysical properties (such as structural, functional, and spatial information, amino acid conservation, physicochemical variation, residue mobility, and thermodynamic stability) has been performed at Invitae for this missense variant, however the output from this modeling did not meet the statistical confidence thresholds required to predict the impact of this variant on BAP1 protein function. This variant has not been reported in the literature in individuals affected with BAP1-related conditions. This variant is not present in population databases (gnomAD no frequency). This sequence change replaces arginine, which is basic and polar, with serine, which is neutral and polar, at codon 114 of the BAP1 protein (p.Arg114Ser).